The following is an entry in ClinVar:

NM_133433.4(NIPBL):c.4021A>G (p.Lys1341Glu)

Gene: NIPBL (NIPBL cohesin loading factor; plus strand). Cytogenetic location: 5p13.2.
Variant type: single nucleotide variant.
Coding change: c.4021A>G on transcript NM_133433.4 (MANE Select); coding-DNA position 4021, A replaced by G.
Protein change: p.Lys1341Glu; replaces lysine 1341 with glutamic acid.
Molecular consequence: missense variant.
Genome position (GRCh38, 1-based): chr5:37,006,522, A>G. VCF-style: chr5-37006522-A-G. GRCh37 (hg19) VCF-style: chr5-37006624-A-G.
Other names: c.4021A>G, p.Lys1341Glu (NM_015384.5); short protein forms K1341E.
Identifiers: ClinVar variation 2505761 (VCV002505761.1), dbSNP rs1212163125, ClinGen allele CA359524611.

ClinVar aggregate classification (germline): Uncertain significance (1 of 4 stars; one submission).

Submission:

GeneDx
Classification: Uncertain significance. Last evaluated: 2022-12-14. Review status: criteria provided, single submitter. Criteria: GeneDx Variant Classification Process June 2021. Collection method: clinical testing. Allele origin: germline. Affected: yes.
Comment: Not observed at significant frequency in large population cohorts (gnomAD); In silico analysis supports that this missense variant has a deleterious effect on protein structure/function; Has not been previously published as pathogenic or benign to our knowledge